The following is an entry in ClinVar:

NM_004738.5(VAPB):c.-7A>G

Gene: VAPB (VAMP associated protein B and C; plus strand). Cytogenetic location: 20q13.32.
Variant type: single nucleotide variant.
Coding change: c.-7A>G on transcript NM_004738.5 (MANE Select); 7 bases upstream of the start codon, A replaced by G.
Molecular consequence: 5 prime UTR variant. On other transcripts: non-coding transcript variant (1).
Genome position (GRCh38, 1-based): chr20:58,389,453, A>G. VCF-style: chr20-58389453-A-G. GRCh37 (hg19) VCF-style: chr20-56964509-A-G.
Other names: c.-7A>G (NM_001195677.2).
Identifiers: ClinVar variation 3354206 (VCV003354206.1).

ClinVar aggregate classification (germline): Likely benign (0 of 4 stars; one submission).

Conditions:
VAPB-related disorder. Also called: VAPB-related condition.

Submission:

PreventionGenetics, part of Exact Sciences
Classification: Likely benign for VAPB-related condition. Last evaluated: 2024-03-26. Review status: no assertion criteria provided. Collection method: clinical testing. Allele origin: germline.
Comment: This variant is classified as likely benign based on ACMG/AMP sequence variant interpretation guidelines (Richards et al. 2015 PMID: 25741868, with internal and published modifications).